The following is an entry in ClinVar:

ClinVar aggregate classification (germline): Conflicting classifications of pathogenicity. Review status: criteria provided, conflicting classifications (1 of 4 stars). 5 submissions from 5 submitters: Likely pathogenic (1); Uncertain significance (4). Last evaluated 2026-01-19.

Conditions:
Cardiovascular phenotype. Identifiers: MedGen CN230736.
Myofibrillar myopathy 5. Also called: Filaminopathy (type); FILAMINOPATHY, AUTOSOMAL DOMINANT. Identifiers: Orphanet 171445, MedGen C1836050, MONDO:0012289, OMIM 609524.
Hypertrophic cardiomyopathy 26. Also called: Cardiomyopathy, familial hypertrophic, 26. Identifiers: Orphanet 75249, MedGen C4310749, MONDO:0014883, OMIM 617047.
Distal myopathy with posterior leg and anterior hand involvement. Also called: WILLIAMS DISTAL MYOPATHY. Identifiers: Orphanet 63273, MedGen C3279722, MONDO:0013550, OMIM 614065.
Primary familial dilated cardiomyopathy (FDC). Also called: Hypokinetic dilated cardiomyopathy, familial; Familial dilated cardiomyopathy. Identifiers: Orphanet 217607, MedGen C0340427, MONDO:0016333.

Allele frequency attached by ClinVar (database versions not stated): gnomAD 0.00001.

Submissions (5):

Labcorp Genetics (formerly Invitae), Labcorp
Classification: Uncertain significance for Distal myopathy with posterior leg and anterior hand involvement; Myofibrillar myopathy 5; Hypertrophic cardiomyopathy 26. Last evaluated: 2026-01-19. Review status: criteria provided, single submitter. Criteria: Invitae Variant Classification Sherloc (09022015). Collection method: clinical testing. Allele origin: germline.
Comment: This sequence change replaces arginine, which is basic and polar, with histidine, which is basic and polar, at codon 2133 of the FLNC protein (p.Arg2133His). This variant is not present in population databases (gnomAD no frequency). This missense change has been observed in individual(s) with hypertrophic cardiomyopathy (PMID: 25351925, 30418145). ClinVar contains an entry for this variant (Variation ID: 948079). Invitae Evidence Modeling of protein sequence and biophysical properties (such as structural, functional, and spatial information, amino acid conservation, physicochemical variation, residue mobility, and thermodynamic stability) has been performed for this missense variant. However, the output from this modeling did not meet the statistical confidence thresholds required to predict the impact of this variant on FLNC protein function. Experimental studies have shown that this missense change affects FLNC function (PMID: 25351925). This variant disrupts the p.Arg2133 amino acid residue in FLNC. Other variant(s) that disrupt this residue have been observed in individuals with FLNC-related conditions (PMID: 30411535), which suggests that this may be a clinically significant amino acid residue. In summary, the available evidence is currently insufficient to determine the role of this variant in disease. Therefore, it has been classified as a Variant of Uncertain Significance.

Women's Health and Genetics/Laboratory Corporation of America, LabCorp
Classification: Likely pathogenic for Primary familial dilated cardiomyopathy. Last evaluated: 2025-06-02. Review status: criteria provided, single submitter. Criteria: LabCorp Variant Classification Summary - May 2015. Collection method: clinical testing. Allele origin: germline.
Comment: Variant summary: FLNC c.6398G>A (p.Arg2133His) results in a non-conservative amino acid change in the encoded protein sequence. Algorithms developed to predict the effect of missense changes on protein structure and function all suggest that this variant is likely to be disruptive. The variant was absent in 249400 control chromosomes. c.6398G>A has been observed in individuals affected with Dilated Cardiomyopathy and Hypertrophic Cardiomyopathy. In one case it occured de novo and it was also detected in two affected individuals in the same family where it segregated with disease (Marouane_2024, Gomez_2017). These data indicate that the variant may be associated with disease. At least one publication reports experimental evidence evaluating an impact on protein function. The most pronounced variant effect resulted in the formation large filamin C aggregates in rat neonatal cardiac myocytes (Valdes-Mas_2014). The following publications have been ascertained in the context of this evaluation (PMID: 28356264, 38259611, 25351925). ClinVar contains an entry for this variant (Variation ID: 948079). Based on the evidence outlined above, the variant was classified as likely pathogenic.

Ambry Genetics
Classification: Uncertain significance for Cardiovascular phenotype. Last evaluated: 2024-01-23. Review status: criteria provided, single submitter. Criteria: Ambry Variant Classification Scheme 2023. Collection method: clinical testing. Allele origin: germline.
Comment: The p.R1233H variant (also known as c.6398G>A), located in coding exon 39 of the FLNC gene, results from a G to A substitution at nucleotide position 6398. The arginine at codon 1233 is replaced by histidine, an amino acid with highly similar properties. This alteration has been reported in siblings with hypertrophic cardiomyopathy (HCM) (Vald&eacute;s-Mas R et al. Nat Commun, 2014 Oct;5:5326). This amino acid position is highly conserved in available vertebrate species. In addition, this alteration is predicted to be deleterious by in silico analysis. Based on the available evidence, the clinical significance of this alteration remains unclear.

GeneDx
Classification: Uncertain significance. Last evaluated: 2023-09-20. Review status: criteria provided, single submitter. Criteria: GeneDx Variant Classification Process June 2021. Collection method: clinical testing. Allele origin: germline. Affected: yes.
Comment: Not observed in large population cohorts (gnomAD); In silico analysis supports that this missense variant has a deleterious effect on protein structure/function; In vitro functional studies demonstrate this variant results in protein aggregation in H9C2 rat cardiac myoblasts; nevertheless, it is unclear how these studies may translate to a pathogenic role in vivo; This variant is associated with the following publications: (PMID: 28356264, 25351925)

Blueprint Genetics
Classification: Uncertain significance. Last evaluated: 2023-07-21. Review status: criteria provided, single submitter. Criteria: ACMG Guidelines, 2015. Collection method: clinical testing. Allele origin: germline.

Literature cited by the submitters: PubMed 25351925 (cited by 3 submitters); PubMed 30418145 (cited by Labcorp Genetics (formerly Invitae), Labcorp); PubMed 30411535 (cited by Labcorp Genetics (formerly Invitae), Labcorp); PubMed 28356264 (cited by Women's Health and Genetics/Laboratory Corporation of America, LabCorp); PubMed 38259611 (cited by Women's Health and Genetics/Laboratory Corporation of America, LabCorp).

NM_001458.5(FLNC):c.6398G>A (p.Arg2133His)

Genes: FLNC (filamin C; plus strand), FLNC-AS1 (FLNC antisense RNA 1; minus strand). Cytogenetic location: 7q32.1.
Variant type: single nucleotide variant.
Coding change: c.6398G>A on transcript NM_001458.5 (MANE Select); coding-DNA position 6398, G replaced by A.
Protein change: p.Arg2133His; replaces arginine 2133 with histidine.
Molecular consequence: missense variant.
Genome position (GRCh38, 1-based): chr7:128,853,751, G>A. VCF-style: chr7-128853751-G-A. GRCh37 (hg19) VCF-style: chr7-128493805-G-A.
Other names: c.6299G>A, p.Arg2100His (NM_001127487.2); short protein forms R2100H, R2133H.
Identifiers: ClinVar variation 948079 (VCV000948079.14), dbSNP rs1808925531, ClinGen allele CA369212458.
Genomic context (GRCh38, chr7:128,853,751, plus strand): 5'-ACCCACCCTTTGTCCCCACTTCAGGAAGCCCCTTCACTGTGAAGGTGACCGGCGAGGGCC[G>A]CATGAAGGAGAGCATCACCCGGCGGAGACAGGCACCTTCCATCGCCACCATCGGCAGCAC-3'
Protein context (NP_001449.3, residues 2123-2143): PFTVKVTGEG[Arg2133His]MKESITRRRQ